The following is an entry in ClinVar:

ClinVar aggregate classification (germline): Benign. Review status: criteria provided, multiple submitters, no conflicts (2 of 4 stars). 8 submissions from 8 submitters: Benign (7). 1 of the submissions does not count toward it. Last evaluated 2026-02-04.

Conditions:
Methylmalonic acidemia with homocystinuria, type cblX (MAHCX). Also called: INTELLECTUAL DEVELOPMENTAL DISORDER, X-LINKED 3. Identifiers: Orphanet 369962, MedGen C0796208, MONDO:0010657, OMIM 309541.

Allele frequency attached by ClinVar (database versions not stated): gnomAD 0.42119 and 0.41264; gnomAD exomes 0.42566; ESP Exome Variant Server 0.43930; 1000 Genomes Project 0.19126; 1000 Genomes Project 30x 0.19355; TOPMed 0.38029; ExAC 0.43199.

Submissions (8):

Labcorp Genetics (formerly Invitae), Labcorp
Classification: Benign for Methylmalonic acidemia with homocystinuria, type cblX. Last evaluated: 2026-02-04. Review status: criteria provided, single submitter. Criteria: Invitae Variant Classification Sherloc (09022015). Collection method: clinical testing. Allele origin: germline.

Women's Health and Genetics/Laboratory Corporation of America, LabCorp
Classification: Benign. Last evaluated: 2025-11-14. Review status: criteria provided, single submitter. Criteria: LabCorp Variant Classification Summary - May 2015. Collection method: clinical testing. Allele origin: germline.

Mayo Clinic Laboratories, Mayo Clinic
Classification: Benign. Last evaluated: 2022-03-31. Review status: criteria provided, single submitter. Criteria: ACMG Guidelines, 2015. Collection method: clinical testing. Allele origin: germline. Observed: 357 variant alleles.

Genome-Nilou Lab
Classification: Benign for Methylmalonic acidemia with homocystinuria, type cblX. Last evaluated: 2021-08-10. Review status: criteria provided, single submitter. Criteria: ACMG Guidelines, 2015. Collection method: clinical testing. Allele origin: germline. Affected: no.

GeneDx
Classification: Benign. Last evaluated: 2015-12-17. Review status: criteria provided, single submitter. Criteria: GeneDx Variant Classification (06012015). Collection method: clinical testing. Allele origin: germline. Affected: yes.
Comment: This variant is considered likely benign or benign based on one or more of the following criteria: it is a conservative change, it occurs at a poorly conserved position in the protein, it is predicted to be benign by multiple in silico algorithms, and/or has population frequency not consistent with disease.

Eurofins Ntd Llc (ga)
Classification: Benign. Last evaluated: 2013-04-19. Review status: criteria provided, single submitter. Criteria: EGL Classification Definitions 2015. Collection method: clinical testing. Allele origin: germline. Observed: 3 variant alleles, 3 hemizygotes.

Breakthrough Genomics
Classification: Benign. Review status: criteria provided, single submitter. Criteria: ACMG Guidelines, 2015. Collection method: not provided. Allele origin: germline. Inheritance: X-linked inheritance. Affected: yes.

Genetic Services Laboratory, University of Chicago
Classification: Likely benign for AllHighlyPenetrant. Review status: no assertion criteria provided. Collection method: clinical testing. Allele origin: germline. Inheritance: X-linked inheritance. Not counted in ClinVar's aggregate classification.
Comment: Likely benign based on allele frequency in 1000 Genomes Project or ESP global frequency and its presence in a patient with a rare or unrelated disease phenotype. NOT Sanger confirmed.

NM_005334.3(HCFC1):c.5859C>T (p.Cys1953=)

Gene: HCFC1 (host cell factor C1; minus strand). Cytogenetic location: Xq28.
Variant type: single nucleotide variant.
Coding change: c.5859C>T on transcript NM_005334.3 (MANE Select); coding-DNA position 5859, C replaced by T.
Protein change: p.Cys1953=; no amino-acid change (cysteine 1953 retained).
Molecular consequence: synonymous variant.
Genome position (GRCh38, 1-based): chrX:153,950,388, G>A on the plus strand (C>T on the coding strand, the complement: HCFC1 is on the minus strand). VCF-style: chrX-153950388-G-A. GRCh37 (hg19) VCF-style: chrX-153215839-G-A.
Other names: p.Cys1953=.
Identifiers: ClinVar variation 95281 (VCV000095281.23), dbSNP rs3027875, ClinGen allele CA148381.
Genomic context (GRCh38, chrX:153,950,388, plus strand): 5'-GTAGTCGATGTGGGCGTTGGAAAGGCTGGAGGACTGCACCAGGCAGGAGGGGCTGGGCCC[G>A]CAGTACACCCGCATGAAGGCCAGCTGGGCCGGGGTGGAGCTCTTGAGCTCGCCCCCAGCC-3'
Protein context (NP_005325.2, residues 1943-1963): PAQLAFMRVY[Cys1953=]GPSPSCLVQS